The following is an entry in ClinVar:

ClinVar aggregate classification (germline): Benign (1 of 4 stars; one submission).

Allele frequency attached by ClinVar (database versions not stated): gnomAD 0.42573 and 0.43431; TOPMed 0.43029; 1000 Genomes Project 30x 0.49672; 1000 Genomes Project 0.50120.
gnomAD v4.1: 66,243 of 152,122 alleles (44%); highest among the groups gnomAD compares: East Asian, 67%; 14,927 homozygotes.

Submission:

GeneDx
Classification: Benign. Last evaluated: 2018-06-19. Review status: criteria provided, single submitter. Criteria: GeneDx Variant Classification (06012015). Collection method: clinical testing. Allele origin: germline. Affected: yes.
Comment: This variant is considered likely benign or benign based on one or more of the following criteria: it is a conservative change, it occurs at a poorly conserved position in the protein, it is predicted to be benign by multiple in silico algorithms, and/or has population frequency not consistent with disease.

NM_003119.4(SPG7):c.287-233G>A

Gene: SPG7 (SPG7 matrix AAA peptidase subunit, paraplegin; plus strand). Cytogenetic location: 16q24.3.
Variant type: single nucleotide variant.
Coding change: c.287-233G>A on transcript NM_003119.4 (MANE Select); 233 bases into the intron before coding-DNA position 287, G replaced by A.
Molecular consequence: intron variant.
Genome position (GRCh38, 1-based): chr16:89,512,715, G>A. VCF-style: chr16-89512715-G-A. GRCh37 (hg19) VCF-style: chr16-89579123-G-A.
Other names: c.287-233G>A (NM_001363850.1, NM_199367.3).
Identifiers: ClinVar variation 670123 (VCV000670123.1), dbSNP rs11076605, ClinGen allele CA14290845.